The following is an entry in ClinVar:

NM_005120.3(MED12):c.3245C>G (p.Thr1082Ser)

Gene: MED12 (mediator complex subunit 12; plus strand). Cytogenetic location: Xq13.1.
Variant type: single nucleotide variant.
Coding change: c.3245C>G on transcript NM_005120.3 (MANE Select); coding-DNA position 3245, C replaced by G.
Protein change: p.Thr1082Ser; replaces threonine 1082 with serine.
Molecular consequence: missense variant.
Genome position (GRCh38, 1-based): chrX:71,128,331, C>G. VCF-style: chrX-71128331-C-G. GRCh37 (hg19) VCF-style: chrX-70348181-C-G.
Other names: short protein forms T1082S.
Identifiers: ClinVar variation 3394502 (VCV003394502.1).

ClinVar aggregate classification (germline): Uncertain significance (1 of 4 stars; one submission).

Conditions:
Familial thoracic aortic aneurysm and aortic dissection (TAAD). Also called: Thoracic aortic aneurysms and dissections. Identifiers: Orphanet 91387, MedGen C4707243, MONDO:0019625.

Submission:

Ambry Genetics
Classification: Uncertain significance for Familial thoracic aortic aneurysm and aortic dissection. Last evaluated: 2024-11-18. Review status: criteria provided, single submitter. Criteria: Ambry Variant Classification Scheme 2023. Collection method: clinical testing. Allele origin: germline.
Comment: The p.T1082S variant (also known as c.3245C>G), located in coding exon 23 of the MED12 gene, results from a C to G substitution at nucleotide position 3245. The threonine at codon 1082 is replaced by serine, an amino acid with similar properties. This amino acid position is conserved. In addition, the in silico prediction for this alteration is inconclusive. Based on the available evidence, the clinical significance of this variant remains unclear.